The following is an entry in ClinVar:

ClinVar aggregate classification (germline): Uncertain significance (1 of 4 stars; one submission).

Conditions:
Hereditary cancer-predisposing syndrome. Also called: Neoplastic Syndromes, Hereditary; Tumor predisposition; Hereditary Cancer Syndrome; Hereditary neoplastic syndrome. Identifiers: Orphanet 140162, MedGen C0027672, MeSH D009386, MONDO:0015356.

Submission:

Ambry Genetics
Classification: Uncertain significance for Hereditary cancer-predisposing syndrome. Last evaluated: 2026-02-19. Review status: criteria provided, single submitter. Criteria: Ambry Variant Classification Scheme 2023. Collection method: clinical testing. Allele origin: germline.
Comment: The p.L454P variant (also known as c.1361T>C), located in coding exon 13 of the NF2 gene, results from a T to C substitution at nucleotide position 1361. The leucine at codon 454 is replaced by proline, an amino acid with similar properties. This amino acid position is conserved. In addition, this alteration is predicted to be deleterious by in silico analysis. Based on the available evidence, the clinical significance of this variant remains unclear.

NM_000268.4(NF2):c.1361T>C (p.Leu454Pro)

Gene: NF2 (NF2, moesin-ezrin-radixin like (MERLIN) tumor suppressor; plus strand). Cytogenetic location: 22q12.2.
Variant type: single nucleotide variant.
Coding change: c.1361T>C on transcript NM_000268.4 (MANE Select); coding-DNA position 1361, T replaced by C.
Protein change: p.Leu454Pro; replaces leucine 454 with proline.
Molecular consequence: missense variant. On other transcripts: non-coding transcript variant (1), intron variant (1).
Genome position (GRCh38, 1-based): chr22:29,674,856, T>C. VCF-style: chr22-29674856-T-C. GRCh37 (hg19) VCF-style: chr22-30070845-T-C.
Other names: c.1247T>C, p.Leu416Pro (NM_001407053.1, NM_001407056.1); c.1238T>C, p.Leu413Pro (NM_001407054.1, NM_001407058.1, NM_181829.3); c.1235T>C, p.Leu412Pro (NM_001407055.1, NM_181828.3); c.1226T>C, p.Leu409Pro (NM_001407057.1, NM_001407059.1); c.1361T>C, p.Leu454Pro (NM_001407060.1, NM_181825.3, NM_181832.3 and 2 more transcripts); c.1103T>C, p.Leu368Pro (NM_001407062.1); c.1112T>C, p.Leu371Pro (NM_001407063.1, NM_001407064.1, NM_181830.3 and 1 more transcripts); c.827T>C, p.Leu276Pro (NM_001407065.1); and 2 more; short protein forms L276P, L412P, L413P, L416P, L454P, L371P, L409P, L368P.
Identifiers: ClinVar variation 4825435 (VCV004825435.1).